The following is an entry in ClinVar:

NM_001145358.2(SIN3A):c.1363del (p.Ala455fs)

Gene: SIN3A (SIN3 transcription regulator family member A; minus strand). Cytogenetic location: 15q24.2.
Variant type: Deletion.
Coding change: c.1363del on transcript NM_001145358.2 (MANE Select); coding-DNA position 1363, one base deleted (G; older notation c.1363delG).
Protein change: p.Ala455fs; shifts the reading frame from alanine 455.
Molecular consequence: frameshift variant.
Genome position (GRCh38, 1-based): chr15:75,407,099, C deleted on the plus strand (G on the coding strand, the reverse complement: SIN3A is on the minus strand). VCF-style (leftmost placement, unchanged base first): chr15-75407098-GC-G. GRCh37 (hg19) VCF-style: chr15-75699439-GC-G.
Other names: c.1363del, p.Ala455fs (NM_001145357.2, NM_015477.3); short protein forms A455fs.
Identifiers: ClinVar variation 2616550 (VCV002616550.2), dbSNP rs2542665267, ClinGen allele CA2582342624.
Genomic context (GRCh38, chr15:75,407,098, plus strand): 5'-ACTCATCCATTACTCACCTTATCAAAAAATAACGATTCTGTTCCACCACCATGTTTGCTG[GC>G]ATCTGCCATAGAAGAATCCTTCAGATTGAGCAGTTTGGGTTTCTTCTGCAAAAGAAAGAT-3'

ClinVar aggregate classification (germline): Pathogenic (1 of 4 stars; one submission).

Conditions:
Inborn genetic diseases. Identifiers: MedGen C0950123, MeSH D030342.

Submission:

Ambry Genetics
Classification: Pathogenic for Inborn genetic diseases. Last evaluated: 2023-08-29. Review status: criteria provided, single submitter. Criteria: Ambry Variant Classification Scheme 2023. Collection method: clinical testing. Allele origin: germline.
Comment: The c.1363delG (p.A455Pfs*40) alteration, located in exon 9 (coding exon 8) of the SIN3A gene, consists of a deletion of one nucleotide at position 1363, causing a translational frameshift with a predicted alternate stop codon after 40 amino acids. This alteration is expected to result in loss of function by premature protein truncation or nonsense-mediated mRNA decay. This variant was not reported in population-based cohorts in the Genome Aggregation Database (gnomAD). Based on the available evidence, this alteration is classified as pathogenic.